The following is an entry in ClinVar:

NM_005573.4(LMNB1):c.482G>C (p.Gly161Ala)

Gene: LMNB1 (lamin B1; plus strand). Cytogenetic location: 5q23.2.
Variant type: single nucleotide variant.
Coding change: c.482G>C on transcript NM_005573.4 (MANE Select); coding-DNA position 482, G replaced by C.
Protein change: p.Gly161Ala; replaces glycine 161 with alanine.
Molecular consequence: missense variant. On other transcripts: 5 prime UTR variant (1), non-coding transcript variant (1).
Genome position (GRCh38, 1-based): chr5:126,804,898, G>C. VCF-style: chr5-126804898-G-C. GRCh37 (hg19) VCF-style: chr5-126140590-G-C.
Other names: c.-149G>C (NM_001198557.2); short protein forms G161A.
Identifiers: ClinVar variation 2387683 (VCV002387683.5), dbSNP rs754635429, ClinGen allele CA3390463.

ClinVar aggregate classification (germline): Conflicting classifications of pathogenicity. Review status: criteria provided, conflicting classifications (1 of 4 stars). 3 submissions from 3 submitters: Uncertain significance (1); Likely benign (2). Last evaluated 2026-07-01.

Conditions:
Inborn genetic diseases. Identifiers: MedGen C0950123, MeSH D030342.

Allele frequency attached by ClinVar (database versions not stated): gnomAD 0.00001; ExAC 0.00002; TOPMed 0.00003.
gnomAD v4.1: 26 of 1,613,990 alleles (0.0016%); highest among the groups gnomAD compares: Non-Finnish European, 0.0019%; no homozygotes.

Submissions (3):

CeGaT Center for Human Genetics Tuebingen
Classification: Likely benign. Last evaluated: 2026-07-01. Review status: criteria provided, single submitter. Criteria: CeGaT Center For Human Genetics Tuebingen Variant Classification Criteria Version 2. Collection method: clinical testing. Allele origin: germline. Affected: yes. Observed: 1 variant allele.
Comment: LMNB1: BP4

Ambry Genetics
Classification: Uncertain significance for Inborn genetic diseases. Last evaluated: 2024-12-24. Review status: criteria provided, single submitter. Criteria: Ambry Variant Classification Scheme 2023. Collection method: clinical testing. Allele origin: germline.

Blueprint Genetics
Classification: Likely benign. Last evaluated: 2023-08-17. Review status: criteria provided, single submitter. Criteria: ACMG Guidelines, 2015. Collection method: clinical testing. Allele origin: germline.